The following is an entry in ClinVar:

NM_078470.6(COX15):c.610dup (p.Ser204fs)

Gene: COX15 (cytochrome c oxidase assembly factor COX15; minus strand). Cytogenetic location: 10q24.2.
Variant type: Duplication.
Coding change: c.610dup on transcript NM_078470.6 (MANE Select); coding-DNA position 610, one base duplicated (A; older notation c.610dupA).
Protein change: p.Ser204fs; shifts the reading frame from serine 204.
Molecular consequence: frameshift variant. On other transcripts: non-coding transcript variant (1).
Genome position (GRCh38, 1-based): chr10:99,724,096, T duplicated on the plus strand (A on the coding strand, the reverse complement: COX15 is on the minus strand); the first of 4 consecutive T bases (chr10:99,724,096-99,724,099); duplicating any one gives the same sequence. VCF-style (leftmost placement, unchanged base first): chr10-99724095-C-CT. GRCh37 (hg19) VCF-style: chr10-101483852-C-CT.
Other names: c.610dup, p.Ser204fs (NM_004376.7, NM_001320974.2, NM_001320975.2 and 5 more transcripts); c.73dup, p.Ser25fs (NM_001320976.2); short protein forms S25fs, S204fs.
Identifiers: ClinVar variation 2873866 (VCV002873866.4), dbSNP rs2492707413, ClinGen allele CA2610489002.

ClinVar aggregate classification (germline): Pathogenic (1 of 4 stars; one submission).

Submission:

Labcorp Genetics (formerly Invitae), Labcorp
Classification: Pathogenic. Last evaluated: 2023-10-13. Review status: criteria provided, single submitter. Criteria: Invitae Variant Classification Sherloc (09022015). Collection method: clinical testing. Allele origin: germline.
Comment: This sequence change creates a premature translational stop signal (p.Ser204Lysfs*11) in the COX15 gene. It is expected to result in an absent or disrupted protein product. Loss-of-function variants in COX15 are known to be pathogenic (PMID: 15863660, 21412973). This variant is not present in population databases (gnomAD no frequency). This variant has not been reported in the literature in individuals affected with COX15-related conditions. For these reasons, this variant has been classified as Pathogenic.

Literature cited by the submitters: PubMed 15863660; PubMed 21412973.